The following is an entry in ClinVar:

ClinVar aggregate classification (germline): Uncertain significance (1 of 4 stars; one submission).

Submission:

Ambry Genetics
Classification: Uncertain significance. Last evaluated: 2025-02-13. Review status: criteria provided, single submitter. Criteria: Ambry Variant Classification Scheme 2023. Collection method: clinical testing. Allele origin: germline.
Comment: The p.C790S variant (also known as c.2369G>C), located in coding exon 13 of the ATRIP gene, results from a G to C substitution at nucleotide position 2369. The cysteine at codon 790 is replaced by serine, an amino acid with dissimilar properties. This amino acid position is conserved. In addition, this alteration is predicted to be tolerated by in silico analysis. Based on the available evidence, the clinical significance of this variant remains unclear.

NM_130384.3(ATRIP):c.2369G>C (p.Cys790Ser)

Genes: ATRIP (ATR interacting protein; plus strand), ATRIP-TREX1 (ATRIP-TREX1 readthrough; plus strand). Cytogenetic location: 3p21.31.
Variant type: single nucleotide variant.
Coding change: c.2369G>C on transcript NM_130384.3 (MANE Select); coding-DNA position 2369, G replaced by C.
Protein change: p.Cys790Ser; replaces cysteine 790 with serine.
Molecular consequence: missense variant. On other transcripts: non-coding transcript variant (1).
Genome position (GRCh38, 1-based): chr3:48,465,547, G>C. VCF-style: chr3-48465547-G-C. GRCh37 (hg19) VCF-style: chr3-48506946-G-C.
Other names: c.-789G>C (NM_033629.4); c.1988G>C, p.Cys663Ser (NM_001271022.2); c.2090G>C, p.Cys697Ser (NM_001271023.2); c.2288G>C, p.Cys763Ser (NM_032166.4); short protein forms C663S, C697S, C763S, C790S.
Identifiers: ClinVar variation 3810694 (VCV003810694.1).
Genomic context (GRCh38, chr3:48,465,547, plus strand): 5'-AGGCAGCCCTGGATGACCTCTGTGCCGCGGAAACCGATGTGGAAGACCCCGAGGTGGAGT[G>C]TGGCTGAGGCCCTGAGTGTCCAGCCACATGGTGGCACCAGCACCACTCCTTTCCTTACCA-3'
Protein context (NP_569055.1, residues 780-791): ETDVEDPEVE[Cys790Ser]G